The following is an entry in ClinVar:

NM_000094.4(COL7A1):c.4900-2A>C

Gene: COL7A1 (collagen type VII alpha 1 chain; minus strand). Cytogenetic location: 3p21.31.
Variant type: single nucleotide variant.
Coding change: c.4900-2A>C on transcript NM_000094.4 (MANE Select); the canonical splice acceptor site of the intron before coding-DNA position 4900, A replaced by C.
Molecular consequence: splice acceptor variant.
Genome position (GRCh38, 1-based): chr3:48,581,159, T>G on the plus strand (A>C on the coding strand, the complement: COL7A1 is on the minus strand). VCF-style: chr3-48581159-T-G. GRCh37 (hg19) VCF-style: chr3-48618592-T-G.
Identifiers: ClinVar variation 1487424 (VCV001487424.6), dbSNP rs1431252268, ClinGen allele CA352682708.
Genomic context (GRCh38, chr3:48,581,159, plus strand): 5'-ACCACAGTGGGAAGGAGTCTCACCGGAGGACCCTCGTCACCTTTCTCTCCAACTTCACCC[T>G]GTGAAACATGAGAGTCAGCCCTGGTTCCAAGAACCCCCATGATGCTGGCAACAGCCCTAC-3'

ClinVar aggregate classification (germline): Likely pathogenic (1 of 4 stars; one submission).

Allele frequency attached by ClinVar (database versions not stated): gnomAD 0.00001; gnomAD exomes 0.00001.
gnomAD v4.1: 10 of 1,613,726 alleles (0.00062%); highest among the groups gnomAD compares: Non-Finnish European, 0.00051%; no homozygotes.

Submission:

Labcorp Genetics (formerly Invitae), Labcorp
Classification: Likely pathogenic. Last evaluated: 2021-08-27. Review status: criteria provided, single submitter. Criteria: Invitae Variant Classification Sherloc (09022015). Collection method: clinical testing. Allele origin: germline.
Comment: This sequence change affects an acceptor splice site in intron 51 of the COL7A1 gene. It is expected to disrupt RNA splicing. Variants that disrupt the donor or acceptor splice site typically lead to a loss of protein function (PMID: 16199547), and loss-of-function variants in COL7A1 are known to be pathogenic (PMID: 16971478). This variant is not present in population databases (ExAC no frequency). This variant has not been reported in the literature in individuals affected with COL7A1-related conditions. Algorithms developed to predict the effect of sequence changes on RNA splicing suggest that this variant may disrupt the consensus splice site. In summary, the currently available evidence indicates that the variant is pathogenic, but additional data are needed to prove that conclusively. Therefore, this variant has been classified as Likely Pathogenic.

Literature cited by the submitters: PubMed 16199547; PubMed 16971478.